The following is an entry in ClinVar:

NM_024757.5(EHMT1):c.1848C>A (p.Asp616Glu)

Gene: EHMT1 (euchromatic histone lysine methyltransferase 1; plus strand). Cytogenetic location: 9q34.3.
Variant type: single nucleotide variant.
Coding change: c.1848C>A on transcript NM_024757.5 (MANE Select); coding-DNA position 1848, C replaced by A.
Protein change: p.Asp616Glu; replaces aspartic acid 616 with glutamic acid.
Molecular consequence: missense variant.
Genome position (GRCh38, 1-based): chr9:137,776,674, C>A. VCF-style: chr9-137776674-C-A. GRCh37 (hg19) VCF-style: chr9-140671126-C-A.
Other names: c.1848C>A, p.Asp616Glu (NM_001145527.2); c.1755C>A, p.Asp585Glu (NM_001354259.2); c.1827C>A, p.Asp609Glu (NM_001354263.2); short protein forms D585E, D609E, D616E.
Identifiers: ClinVar variation 3666167 (VCV003666167.2).

ClinVar aggregate classification (germline): Uncertain significance (1 of 4 stars; one submission).

Conditions:
Kleefstra syndrome 1 (KLEFS1). Identifiers: Orphanet 261494, MedGen C0795833, MONDO:0027407, OMIM 610253.

Submission:

Labcorp Genetics (formerly Invitae), Labcorp
Classification: Uncertain significance for Kleefstra syndrome 1. Last evaluated: 2024-09-19. Review status: criteria provided, single submitter. Criteria: Invitae Variant Classification Sherloc (09022015). Collection method: clinical testing. Allele origin: germline.
Comment: This sequence change replaces aspartic acid, which is acidic and polar, with glutamic acid, which is acidic and polar, at codon 616 of the EHMT1 protein (p.Asp616Glu). This variant is not present in population databases (gnomAD no frequency). This variant has not been reported in the literature in individuals affected with EHMT1-related conditions. Invitae Evidence Modeling of protein sequence and biophysical properties (such as structural, functional, and spatial information, amino acid conservation, physicochemical variation, residue mobility, and thermodynamic stability) indicates that this missense variant is not expected to disrupt EHMT1 protein function with a negative predictive value of 80%. In summary, the available evidence is currently insufficient to determine the role of this variant in disease. Therefore, it has been classified as a Variant of Uncertain Significance.